The following is an entry in ClinVar:

ClinVar aggregate classification (germline): Likely benign. Review status: criteria provided, multiple submitters, no conflicts (2 of 4 stars). 2 submissions from 2 submitters: Likely benign (2). Last evaluated 2024-09-01.

Conditions:
Autosomal recessive limb-girdle muscular dystrophy type 2J (LGMDR10). Also called: Limb-girdle muscular dystrophy, type 2J; MUSCULAR DYSTROPHY, LIMB-GIRDLE, AUTOSOMAL RECESSIVE 10. Identifiers: Orphanet 140922, MedGen C1837342, MONDO:0012127, OMIM 608807.
Dilated cardiomyopathy 1G (CMD1G). Identifiers: Orphanet 154, MedGen C1858763, MONDO:0011400, OMIM 604145.

Submissions (2):

CeGaT Center for Human Genetics Tuebingen
Classification: Likely benign. Last evaluated: 2024-09-01. Review status: criteria provided, single submitter. Criteria: CeGaT Center For Human Genetics Tuebingen Variant Classification Criteria Version 2. Collection method: clinical testing. Allele origin: germline. Affected: yes. Observed: 1 variant allele.
Comment: TTN: BP4, BP7

Labcorp Genetics (formerly Invitae), Labcorp
Classification: Likely benign for Dilated cardiomyopathy 1G; Autosomal recessive limb-girdle muscular dystrophy type 2J. Last evaluated: 2024-02-20. Review status: criteria provided, single submitter. Criteria: Invitae Variant Classification Sherloc (09022015). Collection method: clinical testing. Allele origin: germline.

NM_001267550.2(TTN):c.38835A>C (p.Pro12945=)

Gene: TTN (titin; minus strand). Cytogenetic location: 2q31.2.
Variant type: single nucleotide variant.
Coding change: c.38835A>C on transcript NM_001267550.2 (MANE Select); coding-DNA position 38835, A replaced by C.
Protein change: p.Pro12945=; no amino-acid change (proline 12945 retained).
Molecular consequence: synonymous variant. On other transcripts: intron variant (5).
Genome position (GRCh38, 1-based): chr2:178,653,081, T>G on the plus strand (A>C on the coding strand, the complement: TTN is on the minus strand). VCF-style: chr2-178653081-T-G. GRCh37 (hg19) VCF-style: chr2-179517808-T-G.
Other names: c.13283-10764A>C (NM_003319.4); c.13859-10764A>C (NM_133437.4); c.13658-10764A>C (NM_133432.3); c.31742-540A>C (NM_133378.4); c.34523-540A>C (NM_001256850.1).
Identifiers: ClinVar variation 3388772 (VCV003388772.16).